The following is an entry in ClinVar:

ClinVar aggregate classification (germline): Pathogenic/Likely pathogenic. Review status: criteria provided, multiple submitters, no conflicts (2 of 4 stars). 3 submissions from 3 submitters: Pathogenic (1); Likely pathogenic (1). 1 of the submissions does not count toward it. Last evaluated 2024-10-10.

Conditions:
Autosomal dominant Alport syndrome (ATS3A). Also called: ALPORT SYNDROME 3A, AUTOSOMAL DOMINANT; Alport syndrome dominant type; Renal failure and sensorineural hearing loss. Identifiers: Orphanet 63, Orphanet 88918, MedGen C5882663, MONDO:0007086, OMIM 104200.
Alport syndrome. Also called: Hemorrhagic familial nephritis; Hemorrhagic hereditary nephritis; Congenital hereditary hematuria. Identifiers: Orphanet 63, MedGen C1567741, MONDO:0018965.

Allele frequency attached by ClinVar (database versions not stated): gnomAD exomes below 0.00001.

Submissions (3):

Natera, Inc.
Classification: Likely pathogenic for Alport syndrome. Last evaluated: 2024-10-10. Review status: criteria provided, single submitter. Criteria: Natera Variant Classification Schema (03/2026). Collection method: clinical testing. Allele origin: germline.
Comment: The c.1221del variant in COL4A4 is a frameshift variant predicted to shift the reading frame beginning at codon 409 and leads to a stop codon 49 codons downstream. This variant is expected to result in nonsense mediated decay, truncation, or a dysfunctional protein product. This variant is rare in the general population with a frequency below the threshold expected for the associated phenotype(s). Given the available evidence, this variant is classified as Likely Pathogenic.

Labcorp Genetics (formerly Invitae), Labcorp
Classification: Pathogenic. Last evaluated: 2019-12-16. Review status: criteria provided, single submitter. Criteria: Invitae Variant Classification Sherloc (09022015). Collection method: clinical testing. Allele origin: germline.
Comment: This sequence change creates a premature translational stop signal (p.Pro409Hisfs*49) in the COL4A4 gene. It is expected to result in an absent or disrupted protein product. This variant is not present in population databases (ExAC no frequency). This variant has not been reported in the literature in individuals with COL4A4-related conditions. ClinVar contains an entry for this variant (Variation ID: 635526). Loss-of-function variants in COL4A4 are known to be pathogenic (PMID: 19129241, 21196518, 24052634, 24522496, 24854265, 25307543, 26809805, 27281700). For these reasons, this variant has been classified as Pathogenic.

Bioscientia Institut fuer Medizinische Diagnostik GmbH, Sonic Healthcare
Classification: Pathogenic for Autosomal dominant Alport syndrome. Last evaluated: 2018-11-28. Review status: no assertion criteria provided. Collection method: clinical testing. Allele origin: germline. Affected: yes. Not counted in ClinVar's aggregate classification.

NM_000092.5(COL4A4):c.1221del (p.Pro409fs)

Gene: COL4A4 (collagen type IV alpha 4 chain; minus strand). Cytogenetic location: 2q36.3.
Variant type: Deletion.
Coding change: c.1221del on transcript NM_000092.5 (MANE Select); coding-DNA position 1221, one base deleted (T; older notation c.1221delT).
Protein change: p.Pro409fs; shifts the reading frame from proline 409.
Molecular consequence: frameshift variant.
Genome position (GRCh38, 1-based): chr2:227,094,273, A deleted on the plus strand (T on the coding strand, the reverse complement: COL4A4 is on the minus strand). VCF-style (leftmost placement, unchanged base first): chr2-227094272-CA-C. GRCh37 (hg19) VCF-style: chr2-227958988-CA-C.
Other names: short protein forms P409fs.
Identifiers: ClinVar variation 635526 (VCV000635526.4), dbSNP rs1576457876, ClinGen allele CA913189613.
Genomic context (GRCh38, chr2:227,094,272, plus strand): 5'-GTCTCCCAGGAATACCAGCTTCTCCTGGAAGCCCAGGAAGACCAGGAAATCCTTGTGGCC[CA>C]GGGGGTCCTATCATGCCTGCAAGATAAATCAAGAATGAAAATTACATATACTCTCAGAGT-3'